The following is an entry in ClinVar:

NM_001374736.1(DST):c.11928+1G>A

Gene: DST (dystonin; minus strand). Cytogenetic location: 6p12.1.
Variant type: single nucleotide variant.
Coding change: c.11928+1G>A on transcript NM_001374736.1 (MANE Select); the canonical splice donor site of the intron after coding-DNA position 11928, G replaced by A.
Molecular consequence: splice donor variant.
Genome position (GRCh38, 1-based): chr6:56,598,475, C>T on the plus strand (G>A on the coding strand, the complement: DST is on the minus strand). VCF-style: chr6-56598475-C-T. GRCh37 (hg19) VCF-style: chr6-56463273-C-T.
Other names: c.5571+1G>A (NM_001144769.5); c.11928+1G>A (NM_001374722.1); c.11955+1G>A (NM_001374734.1); c.5157+1G>A (NM_001144770.2); c.5037+1G>A (NM_001374730.1, NM_001386100.1, NM_183380.4); c.11295+1G>A (NM_001374729.1); c.4059+1G>A (NM_015548.5).
Identifiers: ClinVar variation 1500462 (VCV001500462.6), dbSNP rs2152697802, ClinGen allele CA364528880.

ClinVar aggregate classification (germline): Likely pathogenic (1 of 4 stars; one submission).

Conditions:
Epidermolysis bullosa simplex 3, localized or generalized intermediate, with BP230 deficiency (EBS3). Also called: Epidermolysis bullosa simplex due to BP230 deficiency; Epidermolysis bullosa simplex, autosomal recessive 2. Identifiers: Orphanet 412181, MedGen C3809470, MONDO:0014180, OMIM 615425.
Hereditary sensory and autonomic neuropathy type 6. Also called: Neuropathy, hereditary sensory and autonomic, type VI; HSAN VI. Identifiers: Orphanet 314381, MedGen C3539003, MONDO:0013839, OMIM 614653.

Submission:

Labcorp Genetics (formerly Invitae), Labcorp
Classification: Likely pathogenic for Epidermolysis bullosa simplex 3, localized or generalized intermediate, with BP230 deficiency; Hereditary sensory and autonomic neuropathy type 6. Last evaluated: 2021-11-20. Review status: criteria provided, single submitter. Criteria: Invitae Variant Classification Sherloc (09022015). Collection method: clinical testing. Allele origin: germline.
Comment: In summary, the currently available evidence indicates that the variant is pathogenic, but additional data are needed to prove that conclusively. Therefore, this variant has been classified as Likely Pathogenic. Experimental studies and prediction algorithms are not available or were not evaluated, and the effect of this variant on mRNA splicing is currently unknown. This variant has not been reported in the literature in individuals affected with DST-related conditions. This variant is not present in population databases (gnomAD no frequency). This sequence change affects a donor splice site in intron 27 of the DST gene. It is expected to disrupt RNA splicing. Variants that disrupt the donor or acceptor splice site typically lead to a loss of protein function (PMID: 16199547), and loss-of-function variants in DST are known to be pathogenic (PMID: 22522446, 25059916, 30371979). The DST gene has multiple clinically relevant transcripts. This variant occurs in alternate transcript NM_015548.4, and corresponds to NM_001723.5:c.*17042G>A in the primary transcript.

Literature cited by the submitters: PubMed 16199547; PubMed 22522446; PubMed 25059916; PubMed 30371979.